The following is an entry in ClinVar:

NM_198904.4(GABRG2):c.632-1262C>A

Gene: GABRG2 (gamma-aminobutyric acid type A receptor subunit gamma2; plus strand). Cytogenetic location: 5q34.
Variant type: single nucleotide variant.
Coding change: c.632-1262C>A on transcript NM_198904.4 (MANE Select); 1262 bases into the intron before coding-DNA position 632, C replaced by A.
Molecular consequence: intron variant. On other transcripts: synonymous variant (2).
Genome position (GRCh38, 1-based): chr5:162,102,627, C>A. VCF-style: chr5-162102627-C-A. GRCh37 (hg19) VCF-style: chr5-161529633-C-A.
Other names: p.G235G:GGC>GGA; c.705C>A, p.Gly235= (NM_001375343.1, NM_198903.2); c.347-1262C>A (NM_001375349.1); c.632-1262C>A (NM_001375344.1, NM_001375340.1, NM_001375341.1 and 2 more transcripts); c.212-1262C>A (NM_001375350.1, NM_001375348.1); c.623-1262C>A (NM_001375339.1); c.566-1262C>A (NM_001375346.1, NM_001375345.1); c.545-1262C>A (NM_001375347.1).
Identifiers: ClinVar variation 137425 (VCV000137425.3), dbSNP rs114972096, ClinGen allele CA290998.

ClinVar aggregate classification (germline): Benign. Review status: criteria provided, single submitter (1 of 4 stars). 2 submissions from 2 submitters: Benign (1). 1 of the submissions does not count toward it. Last evaluated 2013-01-03.

Conditions:
GABRG2-related disorder. Also called: GABRG2-related condition.

Allele frequency attached by ClinVar (database versions not stated): ExAC 0.00048; gnomAD exomes 0.00062 and 0.00109; 1000 Genomes Project 0.00499; gnomAD 0.00517 and 0.00559; 1000 Genomes Project 30x 0.00562; TOPMed 0.00613.
gnomAD v4.1: 980 of 453,478 alleles (0.22%); highest among the groups gnomAD compares: African/African-American, 1.7%; 6 homozygotes.

Submissions (2):

GeneDx
Classification: Benign. Last evaluated: 2013-01-03. Review status: criteria provided, single submitter. Criteria: GeneDx Variant Classification (06012015). Collection method: clinical testing. Allele origin: germline. Affected: yes.
Comment: This variant is considered likely benign or benign based on one or more of the following criteria: it is a conservative change, it occurs at a poorly conserved position in the protein, it is predicted to be benign by multiple in silico algorithms, and/or has population frequency not consistent with disease.

PreventionGenetics, part of Exact Sciences
Classification: Benign for GABRG2-related condition. Last evaluated: 2019-09-09. Review status: no assertion criteria provided. Collection method: clinical testing. Allele origin: germline. Not counted in ClinVar's aggregate classification.
Comment: This variant is classified as benign based on ACMG/AMP sequence variant interpretation guidelines (Richards et al. 2015 PMID: 25741868, with internal and published modifications).